The following is an entry in ClinVar:

NM_001110219.3(GJB6):c.159C>A (p.Cys53Ter)

Gene: GJB6 (gap junction protein beta 6; minus strand). Cytogenetic location: 13q12.11.
Variant type: single nucleotide variant.
Coding change: c.159C>A on transcript NM_001110219.3 (MANE Select); coding-DNA position 159, C replaced by A.
Protein change: p.Cys53Ter; replaces cysteine 53 with a stop codon.
Molecular consequence: nonsense.
Genome position (GRCh38, 1-based): chr13:20,223,322, G>T on the plus strand (C>A on the coding strand, the complement: GJB6 is on the minus strand). VCF-style: chr13-20223322-G-T. GRCh37 (hg19) VCF-style: chr13-20797461-G-T.
Other names: c.159C>A, p.Cys53Ter (NM_001110220.3, NM_001110221.3, NM_001370090.1 and 3 more transcripts); short protein forms C53*.
Identifiers: ClinVar variation 1722421 (VCV001722421.1), dbSNP rs2500317080, ClinGen allele CA387468719.
Genomic context (GRCh38, chr13:20,223,322, plus strand): 5'-GTGGGACACCGGGAAAAAGTGGTCATAGCACACATTTTTGCATCCCGGTTGCAGTGTGTT[G>T]CAGACGAAGTCCTCTTGCTCGTCACCCCACACTTCCTGGGCAGCCACCACGAGGATCATG-3'

ClinVar aggregate classification (germline): Uncertain significance (1 of 4 stars; one submission).

Submission:

Women's Health and Genetics/Laboratory Corporation of America, LabCorp
Classification: Uncertain significance. Last evaluated: 2022-09-01. Review status: criteria provided, single submitter. Criteria: LabCorp Variant Classification Summary - May 2015. Collection method: clinical testing. Allele origin: germline.
Comment: Variant summary: GJB6 c.159C>A (p.Cys53X) results in a premature termination codon, predicted to cause a truncation of the encoded protein or absence of the protein due to nonsense mediated decay, which are commonly known mechanisms for disease. Truncations downstream of this position have not been observed at our laboratory but at-least one has been reported in association with non-syndromic hearing loss in the HGMD database. The variant was absent in 251484 control chromosomes. The available data on variant occurrences in the general population are insufficient to allow any conclusion about variant significance. To our knowledge, no occurrence of c.159C>A in individuals affected with Hidrotic Ectodermal Dysplasia Syndrome and no experimental evidence demonstrating its impact on protein function have been reported. No clinical diagnostic laboratories have submitted clinical-significance assessments for this variant to ClinVar after 2014. Based on the evidence outlined above, the variant was classified as uncertain significance.